The following is an entry in ClinVar:

NM_001128840.3(CACNA1D):c.2382C>T (p.Asn794=)

Gene: CACNA1D (calcium voltage-gated channel subunit alpha1 D; plus strand). Cytogenetic location: 3p21.1.
Variant type: single nucleotide variant.
Coding change: c.2382C>T on transcript NM_001128840.3 (MANE Select); coding-DNA position 2382, C replaced by T.
Protein change: p.Asn794=; no amino-acid change (asparagine 794 retained).
Molecular consequence: synonymous variant.
Genome position (GRCh38, 1-based): chr3:53,731,122, C>T. VCF-style: chr3-53731122-C-T. GRCh37 (hg19) VCF-style: chr3-53765149-C-T.
Other names: c.2442C>T, p.Asn814= (NM_000720.4); c.2382C>T, p.Asn794= (NM_001128839.3); c.2442C>T (NM_000720.3).
Identifiers: ClinVar variation 1932428 (VCV001932428.7), dbSNP rs987686775, ClinGen allele CA74852740.

ClinVar aggregate classification (germline): Likely benign. Review status: criteria provided, single submitter (1 of 4 stars). 2 submissions from 2 submitters: Likely benign (1). 1 of the submissions does not count toward it. Last evaluated 2025-06-03.

Conditions:
CACNA1D-related disorder.

Allele frequency attached by ClinVar (database versions not stated): TOPMed below 0.00001; gnomAD 0.00001; gnomAD exomes 0.00001.
gnomAD v4.1: 17 of 1,611,042 alleles (0.0011%); highest among the groups gnomAD compares: Non-Finnish European, 0.0014%; no homozygotes.

Submissions (2):

Labcorp Genetics (formerly Invitae), Labcorp
Classification: Likely benign. Last evaluated: 2025-06-03. Review status: criteria provided, single submitter. Criteria: Invitae Variant Classification Sherloc (09022015). Collection method: clinical testing. Allele origin: germline.

PreventionGenetics, part of Exact Sciences
Classification: Likely benign for CACNA1D-related condition. Last evaluated: 2019-08-09. Review status: no assertion criteria provided. Collection method: clinical testing. Allele origin: germline. Not counted in ClinVar's aggregate classification.
Comment: This variant is classified as likely benign based on ACMG/AMP sequence variant interpretation guidelines (Richards et al. 2015 PMID: 25741868, with internal and published modifications).